The following is an entry in ClinVar:

NM_001035.3(RYR2):c.14251A>C (p.Lys4751Gln)

Gene: RYR2 (ryanodine receptor 2; plus strand). Cytogenetic location: 1q43.
Variant type: single nucleotide variant.
Coding change: c.14251A>C on transcript NM_001035.3 (MANE Select); coding-DNA position 14251, A replaced by C.
Protein change: p.Lys4751Gln; replaces lysine 4751 with glutamine.
Molecular consequence: missense variant.
Genome position (GRCh38, 1-based): chr1:237,806,236, A>C. VCF-style: chr1-237806236-A-C. GRCh37 (hg19) VCF-style: chr1-237969536-A-C.
Other names: p.K4751Q:AAG>CAG; c.14251A>C, p.Lys4751Gln (LRG_402t1); short protein forms K4751Q.
Identifiers: ClinVar variation 201355 (VCV000201355.6), dbSNP rs794728802, ClinGen allele CA008192.

ClinVar aggregate classification (germline): Pathogenic/Likely pathogenic. Review status: criteria provided, multiple submitters, no conflicts (2 of 4 stars). 2 submissions from 2 submitters: Pathogenic (1); Likely pathogenic (1). Last evaluated 2017-12-08.

Conditions:
Cardiovascular phenotype. Identifiers: MedGen CN230736.

Submissions (2):

Ambry Genetics
Classification: Likely pathogenic for Cardiovascular phenotype. Last evaluated: 2017-12-08. Review status: criteria provided, single submitter. Criteria: Ambry Variant Classification Scheme 2023. Collection method: clinical testing. Allele origin: germline.
Comment: The p.K4751Q variant (also known as c.14251A>C), located in coding exon 99 of the RYR2 gene, results from an A to C substitution at nucleotide position 14251. The lysine at codon 4751 is replaced by glutamine, an amino acid with similar properties. This alteration (reported as c.14251A>C, p.K4750Q) has been previously reported as de novo in an individual with a clinical diagnosis of catecholaminergic polymorphic ventricular tachycardia (CPVT) (Kawamura M et al. Circ J. 2013;77:1705-13; Uehara A et al. J. Gen. Physiol., 2017 Feb;149:199-218). Limited in vitro functional studies demonstrated effects on gating kinetics in transfected cells (Uehara A et al. J. Gen. Physiol., 2017 Feb;149:199-218). This amino acid position is highly conserved in available vertebrate species. In addition, this alteration is predicted to be deleterious by in silico analysis. Based on the majority of available evidence to date, this variant is likely to be pathogenic.

GeneDx
Classification: Pathogenic. Last evaluated: 2014-05-05. Review status: criteria provided, single submitter. Criteria: GeneDx Variant Classification (06012015). Collection method: clinical testing. Allele origin: germline. Affected: yes.
Comment: p.Lys4751Gln (AAG>CAG): c.14251 A>C in exon 99 of the RYR2 gene (NM_001035.2). K4751Q is a semi-conservative amino acid substitution as these residues share similar properties, but differs in size, charge, or other properties which may impact secondary structure. K4751Q occurs at a position that is conserved across species and is located in the channel region, which is a known hotspot for mutations (Medeiros-Domingo A et al, 2009). Mutations in nearby residues (H4742Y, H4762P) have been reported in association with sudden cardiac death and CPVT, respectively, further supporting the functional importance of this region of the protein. In silico analysis predicts that K4751Q is probably damaging to protein structure/function. Additionally, the K4751Q mutation was not observed inapproximately 6000 individuals of European and African American ancestry in the NHLBI Exome Sequencing Project, indicating it is not a common benign variant in these populations. In summary, K4751Q in the RYR2 gene is interpreted as a disease-causing mutation. The variant is found in CPVT panel(s).

Literature cited by the submitters: PubMed 23595086 (cited by Ambry Genetics); PubMed 28082361 (cited by Ambry Genetics).